The following is an entry in ClinVar:

NM_001195305.3(BBIP1):c.262C>T (p.Arg88Trp)

Gene: BBIP1 (BBSome interacting protein 1; minus strand). Cytogenetic location: 10q25.2.
Variant type: single nucleotide variant.
Coding change: c.262C>T on transcript NM_001195305.3 (MANE Select); coding-DNA position 262, C replaced by T.
Protein change: p.Arg88Trp; replaces arginine 88 with tryptophan.
Molecular consequence: missense variant. On other transcripts: 3 prime UTR variant (1).
Genome position (GRCh38, 1-based): chr10:110,900,377, G>A on the plus strand (C>T on the coding strand, the complement: BBIP1 is on the minus strand). VCF-style: chr10-110900377-G-A. GRCh37 (hg19) VCF-style: chr10-112660135-G-A.
Other names: c.*107C>T (NM_001195304.2); c.262C>T, p.Arg88Trp (NM_001195306.2); c.187C>T, p.Arg63Trp (NM_001195307.2); c.196C>T, p.Arg66Trp (NM_001243783.3); c.262C>T (NM_001195306.1); short protein forms R63W, R88W, R66W.
Identifiers: ClinVar variation 3008180 (VCV003008180.4), dbSNP rs981576340, ClinGen allele CA213246540.

ClinVar aggregate classification (germline): Uncertain significance. Review status: criteria provided, single submitter (1 of 4 stars). 2 submissions from 2 submitters: Uncertain significance (1). 1 of the submissions does not count toward it. Last evaluated 2025-03-17.

Conditions:
BBIP1-related disorder. Also called: BBIP1-related condition.

Allele frequency attached by ClinVar (database versions not stated): gnomAD 0.00002; gnomAD exomes 0.00002; TOPMed 0.00002.

Submissions (2):

Labcorp Genetics (formerly Invitae), Labcorp
Classification: Uncertain significance. Last evaluated: 2025-03-17. Review status: criteria provided, single submitter. Criteria: Invitae Variant Classification Sherloc (09022015). Collection method: clinical testing. Allele origin: germline.
Comment: This sequence change replaces arginine, which is basic and polar, with tryptophan, which is neutral and slightly polar, at codon 88 of the BBIP1 protein (p.Arg88Trp). This variant is present in population databases (no rsID available, gnomAD 0.007%). This variant has not been reported in the literature in individuals affected with BBIP1-related conditions. ClinVar contains an entry for this variant (Variation ID: 3008180). An algorithm developed to predict the effect of missense changes on protein structure and function (PolyPhen-2) suggests that this variant is likely to be disruptive. In summary, the available evidence is currently insufficient to determine the role of this variant in disease. Therefore, it has been classified as a Variant of Uncertain Significance.

PreventionGenetics, part of Exact Sciences
Classification: Uncertain significance for BBIP1-related condition. Last evaluated: 2024-03-26. Review status: no assertion criteria provided. Collection method: clinical testing. Allele origin: germline. Not counted in ClinVar's aggregate classification.
Comment: The BBIP1 c.262C>T variant is predicted to result in the amino acid substitution p.Arg88Trp. To our knowledge, this variant has not been reported in the literature. This variant is reported in 0.0072% of alleles in individuals of European (Non-Finnish) descent in gnomAD. At this time, the clinical significance of this variant is uncertain due to the absence of conclusive functional and genetic evidence.